The following is an entry in ClinVar:

NM_006922.4(SCN3A):c.3065T>C (p.Met1022Thr)

Gene: SCN3A (sodium voltage-gated channel alpha subunit 3; minus strand). Cytogenetic location: 2q24.3.
Variant type: single nucleotide variant.
Coding change: c.3065T>C on transcript NM_006922.4 (MANE Select); coding-DNA position 3065, T replaced by C.
Protein change: p.Met1022Thr; replaces methionine 1022 with threonine.
Molecular consequence: missense variant.
Genome position (GRCh38, 1-based): chr2:165,127,959, A>G on the plus strand (T>C on the coding strand, the complement: SCN3A is on the minus strand). VCF-style: chr2-165127959-A-G. GRCh37 (hg19) VCF-style: chr2-165984469-A-G.
Other names: c.2918T>C, p.Met973Thr (NM_001081676.2, NM_001081677.2); short protein forms M1022T, M973T.
Identifiers: ClinVar variation 1019824 (VCV001019824.8), dbSNP rs1687094161, ClinGen allele CA349041195.

ClinVar aggregate classification (germline): Uncertain significance (1 of 4 stars; one submission).

Submission:

Labcorp Genetics (formerly Invitae), Labcorp
Classification: Uncertain significance. Last evaluated: 2020-08-20. Review status: criteria provided, single submitter. Criteria: Invitae Variant Classification Sherloc (09022015). Collection method: clinical testing. Allele origin: germline.
Comment: This variant is not present in population databases (ExAC no frequency). This sequence change replaces methionine with threonine at codon 1022 of the SCN3A protein (p.Met1022Thr). The methionine residue is weakly conserved and there is a moderate physicochemical difference between methionine and threonine. In summary, the available evidence is currently insufficient to determine the role of this variant in disease. Therefore, it has been classified as a Variant of Uncertain Significance. Algorithms developed to predict the effect of missense changes on protein structure and function (SIFT, PolyPhen-2, Align-GVGD) all suggest that this variant is likely to be tolerated, but these predictions have not been confirmed by published functional studies and their clinical significance is uncertain. This variant has not been reported in the literature in individuals with SCN3A-related conditions.